The following is an entry in ClinVar:

NM_002485.5(NBN):c.1474C>T (p.Gln492Ter)

Gene: NBN (nibrin; minus strand). Cytogenetic location: 8q21.3.
Variant type: single nucleotide variant.
Coding change: c.1474C>T on transcript NM_002485.5 (MANE Select); coding-DNA position 1474, C replaced by T.
Protein change: p.Gln492Ter; replaces glutamine 492 with a stop codon.
Molecular consequence: nonsense.
Genome position (GRCh38, 1-based): chr8:89,953,615, G>A on the plus strand (C>T on the coding strand, the complement: NBN is on the minus strand). VCF-style: chr8-89953615-G-A. GRCh37 (hg19) VCF-style: chr8-90965843-G-A.
Other names: c.1228C>T, p.Gln410Ter (NM_001024688.3); short protein forms Q492*, Q410*.
Identifiers: ClinVar variation 141946 (VCV000141946.26), dbSNP rs587782130, ClinGen allele CA166874.

ClinVar aggregate classification (germline): Pathogenic/Likely pathogenic. Review status: criteria provided, multiple submitters, no conflicts (2 of 4 stars). 9 submissions from 9 submitters: Pathogenic (6); Likely pathogenic (3). Last evaluated 2026-03-06.

Conditions:
Hereditary cancer-predisposing syndrome. Also called: Neoplastic Syndromes, Hereditary; Hereditary Cancer Syndrome; Tumor predisposition; Hereditary neoplastic syndrome. Identifiers: Orphanet 140162, MedGen C0027672, MeSH D009386, MONDO:0015356.
Aplastic anemia. Identifiers: Orphanet 182040, Orphanet 88, MedGen C0002874, MONDO:0015909, OMIM 609135, HP:0001915.
Microcephaly, normal intelligence and immunodeficiency (NBS). Also called: SEEMANOVA SYNDROME II; BERLIN BREAKAGE SYNDROME; IMMUNODEFICIENCY, MICROCEPHALY, AND CHROMOSOMAL INSTABILITY; Nijmegen breakage syndrome; Microcephaly with normal intelligence immunodeficiency and lymphoreticular malignancies; Nonsyndromal microcephaly autosomal recessive with normal intelligence. Identifiers: Orphanet 647, MedGen C0398791, MONDO:0009623, OMIM 251260.

Allele frequency attached by ClinVar (database versions not stated): gnomAD exomes below 0.00001; TOPMed 0.00001.
gnomAD v4.1: 3 of 1,613,190 alleles (0.00019%); highest among the groups gnomAD compares: Non-Finnish European, 0.00025%; no homozygotes.

Submissions (9):

Women's Health and Genetics/Laboratory Corporation of America, LabCorp
Classification: Pathogenic for Microcephaly, normal intelligence and immunodeficiency. Last evaluated: 2026-03-06. Review status: criteria provided, single submitter. Criteria: LabCorp Variant Classification Summary - May 2015. Collection method: clinical testing. Allele origin: germline.
Comment: Variant summary: NBN c.1474C>T (p.Gln492X) results in a premature termination codon, predicted to cause a truncation of the encoded protein or absence of the protein due to nonsense mediated decay, which are commonly known mechanisms for disease. The variant allele was found at a frequency of 4e-06 in 250692 control chromosomes. To our knowledge, no occurrence of c.1474C>T in individuals affected with NBN-related conditions and no experimental evidence demonstrating its impact on protein function have been reported. The following publications have been ascertained in the context of this evaluation (PMID: 31855703, 38924040, 29922827, 37453313, 31857685, 28152038, 34426522, 34308104, 39029294). ClinVar contains an entry for this variant (Variation ID: 141946). Based on the evidence outlined above, the variant was classified as pathogenic.

Labcorp Genetics (formerly Invitae), Labcorp
Classification: Pathogenic for Microcephaly, normal intelligence and immunodeficiency. Last evaluated: 2025-10-02. Review status: criteria provided, single submitter. Criteria: Invitae Variant Classification Sherloc (09022015). Collection method: clinical testing. Allele origin: germline.
Comment: This sequence change creates a premature translational stop signal (p.Gln492*) in the NBN gene. It is expected to result in an absent or disrupted protein product. Loss-of-function variants in NBN are known to be pathogenic (PMID: 9590180, 16415040). This variant is present in population databases (rs587782130, gnomAD 0.0009%). This variant has not been reported in the literature in individuals affected with NBN-related conditions. ClinVar contains an entry for this variant (Variation ID: 141946). For these reasons, this variant has been classified as Pathogenic.

Dasa
Classification: Likely pathogenic. Last evaluated: 2025-05-16. Review status: criteria provided, single submitter. Criteria: DASA Assertion Criteria. Collection method: clinical testing. Allele origin: germline.
Comment: NM_002485.5(NBN):c.1474C>T (p.Gln492*) is a nonsense variant in NBN predicted to introduce a premature termination codon and is predicted to result in an absent or altered protein product. Loss of function is an established disease mechanism for NBN-associated disorders. Also, this variant is rare in population databases. Based on the currently available evidence, this variant is classified as likely pathogenic.

Natera, Inc.
Classification: Likely pathogenic for Nijmegen breakage syndrome. Last evaluated: 2024-12-10. Review status: criteria provided, single submitter. Criteria: Natera Variant Classification Schema (03/2026). Collection method: clinical testing. Allele origin: germline.
Comment: The c.1474C>T variant in NBN is a nonsense variant predicted to introduce a stop codon at amino acid 492. This variant is expected to result in nonsense mediated decay, truncation, or a dysfunctional protein product. This variant is rare in the general population with a frequency below the threshold expected for the associated phenotype(s). Given the available evidence, this variant is classified as Likely Pathogenic.

Baylor Genetics
Classification: Pathogenic for Aplastic anemia. Last evaluated: 2024-02-02. Review status: criteria provided, single submitter. Criteria: ACMG Guidelines, 2015. Collection method: clinical testing. Allele origin: unknown.

Ambry Genetics
Classification: Pathogenic for Hereditary cancer-predisposing syndrome. Last evaluated: 2022-06-20. Review status: criteria provided, single submitter. Criteria: Ambry Variant Classification Scheme 2023. Collection method: clinical testing. Allele origin: germline.
Comment: The p.Q492* pathogenic mutation (also known as c.1474C>T), located in coding exon 11 of the NBN gene, results from a C to T substitution at nucleotide position 1474. This changes the amino acid from a glutamine to a stop codon within coding exon 11. This alteration is expected to result in loss of function by premature protein truncation or nonsense-mediated mRNA decay. As such, this alteration is interpreted as a disease-causing mutation.

Genome-Nilou Lab
Classification: Pathogenic for Microcephaly, normal intelligence and immunodeficiency. Last evaluated: 2021-11-07. Review status: criteria provided, single submitter. Criteria: ACMG Guidelines, 2015. Collection method: clinical testing. Allele origin: germline. Affected: no.

GeneDx
Classification: Likely pathogenic. Last evaluated: 2021-10-26. Review status: criteria provided, single submitter. Criteria: GeneDx Variant Classification Process June 2021. Collection method: clinical testing. Allele origin: germline. Affected: yes.
Comment: Nonsense variant predicted to result in protein truncation or nonsense mediated decay in a gene for which loss-of-function is a known mechanism of disease; Not observed at significant frequency in large population cohorts (Lek et al., 2016); This variant is associated with the following publications: (PMID: 28152038)

Genesis Genomics
Classification: Pathogenic for Microcephaly, normal intelligence and immunodeficiency. Review status: criteria provided, single submitter. Criteria: ACMG Guidelines, 2015. Collection method: clinical testing. Allele origin: germline. Affected: yes. Observed: 1 variant allele.

Literature cited by the submitters: PubMed 28152038 (cited by Women's Health and Genetics/Laboratory Corporation of America, LabCorp); PubMed 29922827 (cited by Women's Health and Genetics/Laboratory Corporation of America, LabCorp); PubMed 34426522 (cited by Women's Health and Genetics/Laboratory Corporation of America, LabCorp); PubMed 34308104 (cited by Women's Health and Genetics/Laboratory Corporation of America, LabCorp); PubMed 37453313 (cited by Women's Health and Genetics/Laboratory Corporation of America, LabCorp); PubMed 39029294 (cited by Women's Health and Genetics/Laboratory Corporation of America, LabCorp); PubMed 38924040 (cited by Women's Health and Genetics/Laboratory Corporation of America, LabCorp); PubMed 31857685 (cited by Women's Health and Genetics/Laboratory Corporation of America, LabCorp); PubMed 31855703 (cited by Women's Health and Genetics/Laboratory Corporation of America, LabCorp); PubMed 9590180 (cited by Labcorp Genetics (formerly Invitae), Labcorp); PubMed 16415040 (cited by Labcorp Genetics (formerly Invitae), Labcorp).